The following is an entry in ClinVar:

ClinVar aggregate classification (germline): Uncertain significance (1 of 4 stars; one submission).

Allele frequency attached by ClinVar (database versions not stated): gnomAD exomes below 0.00001.
gnomAD v4.1: 1 of 1,608,302 alleles (0.000062%); highest among the groups gnomAD compares: East Asian, 0.0022%; no homozygotes.

Submission:

Ambry Genetics
Classification: Uncertain significance. Last evaluated: 2023-12-14. Review status: criteria provided, single submitter. Criteria: Ambry Variant Classification Scheme 2023. Collection method: clinical testing. Allele origin: germline.
Comment: The p.Q656R variant (also known as c.1967A>G), located in coding exon 4 of the ALPK2 gene, results from an A to G substitution at nucleotide position 1967. The glutamine at codon 656 is replaced by arginine, an amino acid with highly similar properties. This amino acid position is conserved. In addition, this alteration is predicted to be tolerated by in silico analysis. Since supporting evidence is limited at this time, the clinical significance of this alteration remains unclear.

NM_052947.4(ALPK2):c.1967A>G (p.Gln656Arg)

Gene: ALPK2 (alpha kinase 2; minus strand). Cytogenetic location: 18q21.31.
Variant type: single nucleotide variant.
Coding change: c.1967A>G on transcript NM_052947.4 (MANE Select); coding-DNA position 1967, A replaced by G.
Protein change: p.Gln656Arg; replaces glutamine 656 with arginine.
Molecular consequence: missense variant.
Genome position (GRCh38, 1-based): chr18:58,538,220, T>C on the plus strand (A>G on the coding strand, the complement: ALPK2 is on the minus strand). VCF-style: chr18-58538220-T-C. GRCh37 (hg19) VCF-style: chr18-56205452-T-C.
Other names: short protein forms Q656R.
Identifiers: ClinVar variation 3228598 (VCV003228598.1), dbSNP rs2518878321, ClinGen allele CA402572000.
Genomic context (GRCh38, chr18:58,538,220, plus strand): 5'-GGCTCTGAGAAAGCTGGCATCTGGCTGCAAGAGATTGTCTCTCTGACTGTTTCCTGAACT[T>C]GTACCTAGGAAGATGAAAAGTGATATTAGTAGAATTGTTCATGGGAGAGCCCACAATAGG-3'
Protein context (NP_443179.3, residues 646-666): VPDWSDPPQV[Gln656Arg]VQETVRETIS